The following is an entry in ClinVar:

ClinVar aggregate classification (germline): Uncertain significance. Review status: criteria provided, multiple submitters, no conflicts (2 of 4 stars). 2 submissions from 2 submitters: Uncertain significance (2). Last evaluated 2022-07-01.

Allele frequency attached by ClinVar (database versions not stated): gnomAD 0.00001; ExAC 0.00002.
gnomAD v4.1: 6 of 1,613,864 alleles (0.00037%); highest among the groups gnomAD compares: South Asian, 0.0033%; no homozygotes.

Submissions (2):

Labcorp Genetics (formerly Invitae), Labcorp
Classification: Uncertain significance. Last evaluated: 2022-07-01. Review status: criteria provided, single submitter. Criteria: Invitae Variant Classification Sherloc (09022015). Collection method: clinical testing. Allele origin: germline.
Comment: This sequence change replaces arginine, which is basic and polar, with glutamine, which is neutral and polar, at codon 581 of the NBAS protein (p.Arg581Gln). This variant is present in population databases (rs759251871, gnomAD 0.006%). This variant has not been reported in the literature in individuals affected with NBAS-related conditions. Algorithms developed to predict the effect of missense changes on protein structure and function (SIFT, PolyPhen-2, Align-GVGD) all suggest that this variant is likely to be disruptive. In summary, the available evidence is currently insufficient to determine the role of this variant in disease. Therefore, it has been classified as a Variant of Uncertain Significance.

Blueprint Genetics
Classification: Uncertain significance. Last evaluated: 2020-07-28. Review status: criteria provided, single submitter. Criteria: ACMG Guidelines, 2015. Collection method: clinical testing. Allele origin: germline.

NM_015909.4(NBAS):c.1742G>A (p.Arg581Gln)

Gene: NBAS (NBAS subunit of NRZ tethering complex; minus strand). Cytogenetic location: 2p24.3.
Variant type: single nucleotide variant.
Coding change: c.1742G>A on transcript NM_015909.4 (MANE Select); coding-DNA position 1742, G replaced by A.
Protein change: p.Arg581Gln; replaces arginine 581 with glutamine.
Molecular consequence: missense variant. On other transcripts: non-coding transcript variant (1).
Genome position (GRCh38, 1-based): chr2:15,468,517, C>T on the plus strand (G>A on the coding strand, the complement: NBAS is on the minus strand). VCF-style: chr2-15468517-C-T. GRCh37 (hg19) VCF-style: chr2-15608641-C-T.
Other names: short protein forms R581Q.
Identifiers: ClinVar variation 1971231 (VCV001971231.5), dbSNP rs759251871, ClinGen allele CA1536558.